The following is an entry in ClinVar:

ClinVar aggregate classification (germline): Uncertain significance. Review status: criteria provided, multiple submitters, no conflicts (2 of 4 stars). 2 submissions from 2 submitters: Uncertain significance (2). Last evaluated 2025-06-24.

Conditions:
Catecholaminergic polymorphic ventricular tachycardia 1. Also called: VENTRICULAR TACHYCARDIA, STRESS-INDUCED POLYMORPHIC 1; VENTRICULAR TACHYCARDIA, CATECHOLAMINERGIC POLYMORPHIC, 1, WITH OR WITHOUT ATRIAL DYSFUNCTION AND/OR DILATED CARDIOMYOPATHY; RYR2-Related Catecholaminergic Polymorphic Ventricular Tachycardia. Identifiers: Orphanet 3286, MedGen C1631597, MONDO:0011484, OMIM 604772.
Cardiovascular phenotype. Identifiers: MedGen CN230736.

Submissions (2):

Labcorp Genetics (formerly Invitae), Labcorp
Classification: Uncertain significance for Catecholaminergic polymorphic ventricular tachycardia 1. Last evaluated: 2025-06-24. Review status: criteria provided, single submitter. Criteria: Invitae Variant Classification Sherloc (09022015). Collection method: clinical testing. Allele origin: germline.
Comment: This sequence change replaces glutamine, which is neutral and polar, with histidine, which is basic and polar, at codon 4060 of the RYR2 protein (p.Gln4060His). This variant is not present in population databases (gnomAD no frequency). This variant has not been reported in the literature in individuals affected with RYR2-related conditions. ClinVar contains an entry for this variant (Variation ID: 2454006). Invitae Evidence Modeling of protein sequence and biophysical properties (such as structural, functional, and spatial information, amino acid conservation, physicochemical variation, residue mobility, and thermodynamic stability) indicates that this missense variant is not expected to disrupt RYR2 protein function with a negative predictive value of 95%. In summary, the available evidence is currently insufficient to determine the role of this variant in disease. Therefore, it has been classified as a Variant of Uncertain Significance.

Ambry Genetics
Classification: Uncertain significance for Cardiovascular phenotype. Last evaluated: 2022-11-28. Review status: criteria provided, single submitter. Criteria: Ambry Variant Classification Scheme 2023. Collection method: clinical testing. Allele origin: germline.
Comment: The p.Q4060H variant (also known as c.12180G>C), located in coding exon 90 of the RYR2 gene, results from a G to C substitution at nucleotide position 12180. The glutamine at codon 4060 is replaced by histidine, an amino acid with highly similar properties. This amino acid position is not well conserved in available vertebrate species. In addition, this alteration is predicted to be tolerated by in silico analysis. Since supporting evidence is limited at this time, the clinical significance of this alteration remains unclear.

NM_001035.3(RYR2):c.12180G>C (p.Gln4060His)

Gene: RYR2 (ryanodine receptor 2; plus strand). Cytogenetic location: 1q43.
Variant type: single nucleotide variant.
Coding change: c.12180G>C on transcript NM_001035.3 (MANE Select); coding-DNA position 12180, G replaced by C.
Protein change: p.Gln4060His; replaces glutamine 4060 with histidine.
Molecular consequence: missense variant.
Genome position (GRCh38, 1-based): chr1:237,783,892, G>C. VCF-style: chr1-237783892-G-C. GRCh37 (hg19) VCF-style: chr1-237947192-G-C.
Other names: short protein forms Q4060H.
Identifiers: ClinVar variation 2454006 (VCV002454006.3), dbSNP rs2527777531, ClinGen allele CA345412478.